The following is an entry in ClinVar:

NM_004655.4(AXIN2):c.1376G>A (p.Arg459His)

Gene: AXIN2 (axin 2; minus strand). Cytogenetic location: 17q24.1.
Variant type: single nucleotide variant.
Coding change: c.1376G>A on transcript NM_004655.4 (MANE Select); coding-DNA position 1376, G replaced by A.
Protein change: p.Arg459His; replaces arginine 459 with histidine.
Molecular consequence: missense variant.
Genome position (GRCh38, 1-based): chr17:65,537,660, C>T on the plus strand (G>A on the coding strand, the complement: AXIN2 is on the minus strand). VCF-style: chr17-65537660-C-T. GRCh37 (hg19) VCF-style: chr17-63533778-C-T.
Other names: p.R459H:CGC>CAC; c.1376G>A (LRG_296t1); c.1376G>A, p.Arg459His (NM_001363813.1); short protein forms R459H.
Identifiers: ClinVar variation 182002 (VCV000182002.34), dbSNP rs368525111, ClinGen allele CA298374.
Genomic context (GRCh38, chr17:65,537,660, plus strand): 5'-GAGTGGTACTGCGAATGGTGGTGGTGGTGGTGGTCCGGGGAGCGGGAGCGGGGGCTATAG[C>T]GGCCTACGCCTGGAGACTGGCAGCCAGGGGTCTTGAGGACCCTGGACAGGTGATCGTCCA-3'
Protein context (NP_004646.3, residues 449-469): TPGCQSPGVG[Arg459His]YSPRSRSPDH

ClinVar aggregate classification (germline): Conflicting classifications of pathogenicity. Review status: criteria provided, conflicting classifications (1 of 4 stars). 10 submissions from 10 submitters: Uncertain significance (6); Benign (2); Likely benign (2). Last evaluated 2026-10-01.

Conditions:
AXIN2-related disorder.
Hereditary cancer-predisposing syndrome. Also called: Hereditary neoplastic syndrome; Tumor predisposition; Neoplastic Syndromes, Hereditary; Hereditary Cancer Syndrome. Identifiers: Orphanet 140162, MedGen C0027672, MeSH D009386, MONDO:0015356.
Oligodontia-cancer predisposition syndrome. Also called: TOOTH AGENESIS-COLORECTAL CANCER SYNDROME. Identifiers: Orphanet 300576, MedGen C1837750, MONDO:0012075, OMIM 608615. Disease mechanism: loss of function.

Allele frequency attached by ClinVar (database versions not stated): ExAC 0.00005; gnomAD exomes 0.00006; TOPMed 0.00006; ESP Exome Variant Server 0.00008; gnomAD 0.00010.
gnomAD v4.1: 57 of 1,563,328 alleles (0.0036%); highest among the groups gnomAD compares: Non-Finnish European, 0.0042%; no homozygotes.

Submissions (10):

St. Jude Molecular Pathology, St. Jude Children's Research Hospital
Classification: Uncertain significance for Oligodontia-cancer predisposition syndrome. Last evaluated: 2026-10-01. Review status: criteria provided, single submitter. Criteria: St. Jude Assertion Criteria 2020. Collection method: clinical testing. Allele origin: germline.
Comment: The AXIN2 c.1376G>A p.(Arg459His) missense change has a maximum non-founder subpopulation frequency of 0.009% in gnomAD v2.1.1. The in silico tool REVEL predicts a benign effect on protein fu nction, but to our knowledge this prediction has not been confirmed by functional studies. To our knowledge, this variant has not been reported in the literature in individuals with oligodontia-cancer predisposition syndrome. In summary, the evidence cur rently available is insufficient to determine the clinical significance of this variant. It has therefore been classified as of uncertain significance.

PreventionGenetics, part of Exact Sciences
Classification: Uncertain significance for AXIN2-related condition. Last evaluated: 2026-06-07. Review status: criteria provided, single submitter. Criteria: ACMG Guidelines, 2015. Collection method: clinical testing. Allele origin: germline.
Comment: The AXIN2 c.1376G>A variant is predicted to result in the amino acid substitution p.Arg459His. To our knowledge, this variant has not been reported in the literature. This variant is reported in 0.032% of alleles in individuals of European (Finnish) descent in gnomAD and has conflicting interpretations in ClinVar ranging from benign to uncertain (Variation ID: 182002). Although we suspect that this variant may be benign, at this time, the clinical significance of this variant is uncertain due to the absence of conclusive functional and genetic evidence.

Labcorp Genetics (formerly Invitae), Labcorp
Classification: Uncertain significance for Oligodontia-cancer predisposition syndrome. Last evaluated: 2026-01-07. Review status: criteria provided, single submitter. Criteria: Invitae Variant Classification Sherloc (09022015). Collection method: clinical testing. Allele origin: germline.
Comment: This sequence change replaces arginine, which is basic and polar, with histidine, which is basic and polar, at codon 459 of the AXIN2 protein (p.Arg459His). The frequency data for this variant in the population databases is considered unreliable, as metrics indicate poor data quality at this position in the gnomAD database. This variant has not been reported in the literature in individuals affected with AXIN2-related conditions. ClinVar contains an entry for this variant (Variation ID: 182002). An algorithm developed to predict the effect of missense changes on protein structure and function (PolyPhen-2) suggests that this variant is likely to be tolerated. In summary, the available evidence is currently insufficient to determine the role of this variant in disease. Therefore, it has been classified as a Variant of Uncertain Significance.

Department of Pathology and Laboratory Medicine, Sinai Health System
Classification: Uncertain significance for oligodontia-cancer predisposition syndrome. Last evaluated: 2025-01-13. Review status: criteria provided, single submitter. Criteria: ACMG Guidelines, 2015. Collection method: clinical testing. Allele origin: germline.

Ambry Genetics
Classification: Benign for Hereditary cancer-predisposing syndrome. Last evaluated: 2024-11-08. Review status: criteria provided, single submitter. Criteria: Ambry Variant Classification Scheme 2023. Collection method: clinical testing. Allele origin: germline.

Blueprint Genetics
Classification: Likely benign. Last evaluated: 2024-10-28. Review status: criteria provided, single submitter. Criteria: ACMG Guidelines, 2015. Collection method: clinical testing. Allele origin: germline.

GeneDx
Classification: Uncertain significance. Last evaluated: 2024-06-10. Review status: criteria provided, single submitter. Criteria: GeneDx Variant Classification Process June 2021. Collection method: clinical testing. Allele origin: germline. Affected: yes.
Comment: In silico analysis indicates that this missense variant does not alter protein structure/function; Has not been previously published as pathogenic or benign to our knowledge; This variant is associated with the following publications: (PMID: 15735151)

Quest Diagnostics Nichols Institute San Juan Capistrano
Classification: Likely benign. Last evaluated: 2024-04-14. Review status: criteria provided, single submitter. Criteria: Quest Diagnostics criteria. Collection method: clinical testing. Allele origin: unknown.

ARUP Laboratories, Molecular Genetics and Genomics, ARUP Laboratories
Classification: Uncertain significance. Last evaluated: 2021-03-10. Review status: criteria provided, single submitter. Criteria: ARUP Molecular Germline Variant Investigation Process 2021. Collection method: clinical testing. Allele origin: germline.
Comment: The AXIN2 c.1376G>A; p.Arg459His variant (rs368525111), to our knowledge, is not reported in the medical literature but is reported in ClinVar (Variation ID: 182002). This variant is found in the Finnish European population with an overall allele frequency of 0.03% (5/15530 alleles) in the Genome Aggregation Database. The arginine at codon 459 is highly conserved, but computational analyses predict that this variant is neutral (REVEL: 0.100). Due to limited information, the clinical significance of the p.Arg459His variant is uncertain at this time.

Illumina Laboratory Services, Illumina
Classification: Benign for Oligodontia-cancer predisposition syndrome. Last evaluated: 2018-01-13. Review status: criteria provided, single submitter. Criteria: ICSL Variant Classification Criteria 13 December 2019. Collection method: clinical testing. Allele origin: germline.
Comment: This variant was observed in the ICSL laboratory as part of a predisposition screen in an ostensibly healthy population. It had not been previously curated by ICSL or reported in the Human Gene Mutation Database (HGMD: prior to June 1st, 2018), and was therefore a candidate for classification through an automated scoring system. Utilizing variant allele frequency, disease prevalence and penetrance estimates, and inheritance mode, an automated score was calculated to assess if this variant is too frequent to cause the disease. Based on the score and internal cut-off values, a variant classified as benign is not then subjected to further curation. The score for this variant resulted in a classification of benign for this disease.